The following is an entry in ClinVar:

ClinVar aggregate classification (germline): Likely benign (1 of 4 stars; one submission).

gnomAD v4.1: 1 of 1,613,036 alleles (0.000062%); highest among the groups gnomAD compares: Non-Finnish European, 0.000085%; no homozygotes.

Submission:

CeGaT Center for Human Genetics Tuebingen
Classification: Likely benign. Last evaluated: 2025-07-01. Review status: criteria provided, single submitter. Criteria: CeGaT Center For Human Genetics Tuebingen Variant Classification Criteria Version 2. Collection method: clinical testing. Allele origin: germline. Affected: yes. Observed: 1 variant allele.
Comment: RAB23: BP4, BP7

NM_016277.5(RAB23):c.415C>T (p.Leu139=)

Gene: RAB23 (RAB23, member RAS oncogene family; minus strand). Cytogenetic location: 6p12.1.
Variant type: single nucleotide variant.
Coding change: c.415C>T on transcript NM_016277.5 (MANE Select); coding-DNA position 415, C replaced by T.
Protein change: p.Leu139=; no amino-acid change (leucine 139 retained).
Molecular consequence: synonymous variant.
Genome position (GRCh38, 1-based): chr6:57,194,836, G>A on the plus strand (C>T on the coding strand, the complement: RAB23 is on the minus strand). VCF-style: chr6-57194836-G-A. GRCh37 (hg19) VCF-style: chr6-57059634-G-A.
Other names: c.415C>T, p.Leu139= (NM_001278666.2, NM_001278667.2, NM_001278668.2 and 1 more transcripts).
Identifiers: ClinVar variation 4085094 (VCV004085094.8).